The following is an entry in ClinVar:

ClinVar aggregate classification (germline): Benign/Likely benign. Review status: criteria provided, multiple submitters, no conflicts (2 of 4 stars). 5 submissions from 5 submitters: Benign (3); Likely benign (2). Last evaluated 2025-04-09.

Allele frequency attached by ClinVar (database versions not stated): gnomAD exomes 0.00062 and 0.00144; TOPMed 0.00566; 1000 Genomes Project 0.00579; 1000 Genomes Project 30x 0.00500; ExAC 0.00168; gnomAD 0.00486 and 0.00513; ESP Exome Variant Server 0.00509.
gnomAD v4.1: 1,716 of 1,613,562 alleles (0.11%); highest among the groups gnomAD compares: African/African-American, 1.6%; 12 homozygotes.

Submissions (5):

Molecular Diagnostic Laboratory for Inherited Cardiovascular Disease, Montreal Heart Institute
Classification: Benign. Last evaluated: 2025-04-09. Review status: criteria provided, single submitter. Criteria: ACMG Guidelines, 2015. Collection method: clinical testing. Allele origin: germline. Affected: no.

Mayo Clinic Laboratories, Mayo Clinic
Classification: Benign. Last evaluated: 2024-12-31. Review status: criteria provided, single submitter. Criteria: ACMG Guidelines, 2015. Collection method: clinical testing. Allele origin: germline. Observed: 2 variant alleles.
Comment: BS1, BS2, BP4, BP7

GeneDx
Classification: Likely benign. Last evaluated: 2021-07-27. Review status: criteria provided, single submitter. Criteria: GeneDx Variant Classification Process June 2021. Collection method: clinical testing. Allele origin: germline. Affected: yes.

Labcorp Genetics (formerly Invitae), Labcorp
Classification: Benign. Last evaluated: 2019-12-31. Review status: criteria provided, single submitter. Criteria: Invitae Variant Classification Sherloc (09022015). Collection method: clinical testing. Allele origin: germline.

Breakthrough Genomics
Classification: Likely benign. Review status: criteria provided, single submitter. Criteria: ACMG Guidelines, 2015. Collection method: not provided. Allele origin: germline. Inheritance: Autosomal recessive inheritance. Affected: yes.

NM_016194.4(GNB5):c.1107C>T (p.Arg369=)

Gene: GNB5 (G protein subunit beta 5; minus strand). Cytogenetic location: 15q21.2.
Variant type: single nucleotide variant.
Coding change: c.1107C>T on transcript NM_016194.4 (MANE Select); coding-DNA position 1107, C replaced by T.
Protein change: p.Arg369=; no amino-acid change (arginine 369 retained).
Molecular consequence: synonymous variant.
Genome position (GRCh38, 1-based): chr15:52,124,542, G>A on the plus strand (C>T on the coding strand, the complement: GNB5 is on the minus strand). VCF-style: chr15-52124542-G-A. GRCh37 (hg19) VCF-style: chr15-52416739-G-A.
Other names: p.Arg369=; c.981C>T, p.Arg327= (NM_006578.4).
Identifiers: ClinVar variation 788806 (VCV000788806.9), dbSNP rs113335851, ClinGen allele CA7565527.